The following is an entry in ClinVar:

NM_015072.5(TTLL5):c.75-10G>A

Gene: TTLL5 (tubulin tyrosine ligase like 5; plus strand). Cytogenetic location: 14q24.3.
Variant type: single nucleotide variant.
Coding change: c.75-10G>A on transcript NM_015072.5 (MANE Select); 10 bases into the intron before coding-DNA position 75, G replaced by A.
Molecular consequence: intron variant.
Genome position (GRCh38, 1-based): chr14:75,669,406, G>A. VCF-style: chr14-75669406-G-A. GRCh37 (hg19) VCF-style: chr14-76135749-G-A.
Other names: c.75-10G>A (NM_015072.4).
Identifiers: ClinVar variation 1936662 (VCV001936662.6), dbSNP rs746853498, ClinGen allele CA7278797.

ClinVar aggregate classification (germline): Likely benign. Review status: criteria provided, multiple submitters, no conflicts (2 of 4 stars). 2 submissions from 2 submitters: Likely benign (2). Last evaluated 2024-12-18.

Conditions:
TTLL5-related disorder. Also called: TTLL5-related condition.

Allele frequency attached by ClinVar (database versions not stated): ExAC 0.00001; gnomAD exomes 0.00001.
gnomAD v4.1: 3 of 1,605,502 alleles (0.00019%); highest among the groups gnomAD compares: Admixed American, 0.0051%; no homozygotes.

Submissions (2):

PreventionGenetics, part of Exact Sciences
Classification: Likely benign for TTLL5-related condition. Last evaluated: 2024-12-18. Review status: criteria provided, single submitter. Criteria: ACMG Guidelines, 2015. Collection method: clinical testing. Allele origin: germline.
Comment: This variant is classified as likely benign based on ACMG/AMP sequence variant interpretation guidelines (Richards et al. 2015 PMID: 25741868, with internal and published modifications).

Labcorp Genetics (formerly Invitae), Labcorp
Classification: Likely benign. Last evaluated: 2022-07-15. Review status: criteria provided, single submitter. Criteria: Invitae Variant Classification Sherloc (09022015). Collection method: clinical testing. Allele origin: germline.